The following is an entry in ClinVar:

ClinVar aggregate classification (germline): Uncertain significance. Review status: criteria provided, multiple submitters, no conflicts (2 of 4 stars). 2 submissions from 2 submitters: Uncertain significance (2). Last evaluated 2022-08-09.

Conditions:
Inborn genetic diseases. Identifiers: MedGen C0950123, MeSH D030342.

Submissions (2):

GeneDx
Classification: Uncertain significance. Last evaluated: 2022-08-09. Review status: criteria provided, single submitter. Criteria: GeneDx Variant Classification Process June 2021. Collection method: clinical testing. Allele origin: germline. Affected: yes.
Comment: Not observed at significant frequency in large population cohorts (gnomAD); In-frame deletion of 1 amino acid in a non-repeat region; Has not been previously published as pathogenic or benign to our knowledge

Ambry Genetics
Classification: Uncertain significance for Inborn genetic diseases. Last evaluated: 2017-11-24. Review status: criteria provided, single submitter. Criteria: Ambry exome assertion method (8-5-2015). Collection method: clinical testing. Allele origin: germline. Affected: yes. Observed: 1 variant allele.

NM_078480.3(PUF60):c.533_535del (p.Glu178del)

Gene: PUF60 (poly(U) binding splicing factor 60; minus strand). Cytogenetic location: 8q24.3.
Variant type: Deletion.
Coding change: c.533_535del on transcript NM_078480.3 (MANE Select); coding-DNA positions 533 to 535, 3 bases deleted (AGG; older notation c.533_535delAGG).
Protein change: p.Glu178del; deletes glutamic acid 178.
Molecular consequence: inframe deletion.
Genome position (GRCh38, 1-based): chr8:143,818,261-143,818,263, CCT deleted on the plus strand (AGG on the coding strand, the reverse complement: PUF60 is on the minus strand); deleting any 3 consecutive bases within chr8:143,818,261-143,818,264 gives the same sequence; the c. name uses the placement nearest the transcript's 3' end. VCF-style (leftmost placement, unchanged base first): chr8-143818260-ACCT-A. GRCh37 (hg19) VCF-style: chr8-144900430-ACCT-A.
Other names: c.404_406del, p.Glu135del (NM_001136033.3); c.479_481del, p.Glu160del (NM_001271096.2); c.395_397del, p.Glu132del (NM_001271097.2); c.530_532del, p.Glu177del (NM_001271098.2); c.446_448del, p.Glu149del (NM_001271099.2); c.353_355del, p.Glu118del (NM_001271100.2); c.644_646del, p.Glu215del (NM_001362895.2, NM_001362896.2); c.593_595del, p.Glu198del (NM_001362897.2); and 2 more; short protein forms E118del, E132del, E135del, E149del, E160del, E161del, E177del, E178del.
Identifiers: ClinVar variation 984998 (VCV000984998.4), dbSNP rs1816598426, ClinGen allele CA1139660815.